The following is an entry in ClinVar:

NM_006767.4(LZTR1):c.1289A>G (p.His430Arg)

Gene: LZTR1 (leucine zipper like post translational regulator 1; plus strand). Cytogenetic location: 22q11.21.
Variant type: single nucleotide variant.
Coding change: c.1289A>G on transcript NM_006767.4 (MANE Select); coding-DNA position 1289, A replaced by G.
Protein change: p.His430Arg; replaces histidine 430 with arginine.
Molecular consequence: missense variant.
Genome position (GRCh38, 1-based): chr22:20,993,690, A>G. VCF-style: chr22-20993690-A-G. GRCh37 (hg19) VCF-style: chr22-21347979-A-G.
Other names: short protein forms H430R.
Identifiers: ClinVar variation 3541690 (VCV003541690.1).
Genomic context (GRCh38, chr22:20,993,690, plus strand): 5'-CAACATCTAGTCTCACTGGGCCCCTCTTGCAGTTCTCCTGTTACCCTAAATGCACGCTGC[A>G]CGAGGACTACGGGCGGCTGTGGGAGAGCCGCCAGTTCTGCGACGTGGAGTTCGTGCTGGG-3'
Protein context (NP_006758.2, residues 420-440): QFSCYPKCTL[His430Arg]EDYGRLWESR

ClinVar aggregate classification (germline): Uncertain significance (1 of 4 stars; one submission).

Conditions:
Hereditary cancer-predisposing syndrome. Also called: Hereditary Cancer Syndrome; Hereditary neoplastic syndrome; Tumor predisposition; Neoplastic Syndromes, Hereditary. Identifiers: Orphanet 140162, MedGen C0027672, MeSH D009386, MONDO:0015356.
Cardiovascular phenotype. Identifiers: MedGen CN230736.

Submission:

Ambry Genetics
Classification: Uncertain significance for Cardiovascular phenotype; Hereditary cancer-predisposing syndrome. Last evaluated: 2024-10-31. Review status: criteria provided, single submitter. Criteria: Ambry Variant Classification Scheme 2023. Collection method: clinical testing. Allele origin: germline.
Comment: The p.H430R variant (also known as c.1289A>G), located in coding exon 12 of the LZTR1 gene, results from an A to G substitution at nucleotide position 1289. The histidine at codon 430 is replaced by arginine, an amino acid with highly similar properties. This amino acid position is conserved. In addition, the in silico prediction for this alteration is inconclusive. Based on the available evidence, the clinical significance of this variant remains unclear.